The following is an entry in ClinVar:

ClinVar aggregate classification (germline): Uncertain significance. Review status: criteria provided, single submitter (1 of 4 stars). 2 submissions from 2 submitters: Uncertain significance (1). 1 of the submissions does not count toward it. Last evaluated 2022-08-09.

Conditions:
Nemaline myopathy 2 (NEM2). Also called: Nemaline myopathy 2, autosomal recessive. Identifiers: MedGen C1850569, MONDO:0009725, OMIM 256030.

Allele frequency attached by ClinVar (database versions not stated): gnomAD exomes below 0.00001; TOPMed below 0.00001; ExAC 0.00001; gnomAD 0.00001.
gnomAD v4.1: 3 of 1,613,246 alleles (0.00019%); highest among the groups gnomAD compares: Admixed American, 0.0033%; no homozygotes.

Submissions (2):

Labcorp Genetics (formerly Invitae), Labcorp
Classification: Uncertain significance for Nemaline myopathy 2. Last evaluated: 2022-08-09. Review status: criteria provided, single submitter. Criteria: Invitae Variant Classification Sherloc (09022015). Collection method: clinical testing. Allele origin: germline.
Comment: ClinVar contains an entry for this variant (Variation ID: 1449630). This sequence change replaces valine, which is neutral and non-polar, with alanine, which is neutral and non-polar, at codon 18 of the NEB protein (p.Val18Ala). The frequency data for this variant in the population databases is considered unreliable, as metrics indicate poor data quality at this position in the gnomAD database. This variant has not been reported in the literature in individuals affected with NEB-related conditions. Algorithms developed to predict the effect of missense changes on protein structure and function are either unavailable or do not agree on the potential impact of this missense change (SIFT: "Tolerated"; PolyPhen-2: "Not Available"; Align-GVGD: "Class C0"). In summary, the available evidence is currently insufficient to determine the role of this variant in disease. Therefore, it has been classified as a Variant of Uncertain Significance.

Natera, Inc.
Classification: Uncertain significance for Nemaline myopathy type 2. Last evaluated: 2025-04-11. Review status: no assertion criteria provided. Collection method: clinical testing. Allele origin: germline. Not counted in ClinVar's aggregate classification.

NM_001164508.2(NEB):c.53T>C (p.Val18Ala)

Gene: NEB (nebulin; minus strand). Cytogenetic location: 2q23.3.
Variant type: single nucleotide variant.
Coding change: c.53T>C on transcript NM_001164508.2 (MANE Select); coding-DNA position 53, T replaced by C.
Protein change: p.Val18Ala; replaces valine 18 with alanine.
Molecular consequence: missense variant.
Genome position (GRCh38, 1-based): chr2:151,729,640, A>G on the plus strand (T>C on the coding strand, the complement: NEB is on the minus strand). VCF-style: chr2-151729640-A-G. GRCh37 (hg19) VCF-style: chr2-152586154-A-G.
Other names: c.53T>C, p.Val18Ala (NM_001164507.2, NM_001271208.2, NM_004543.5); c.53T>C (NM_001271208.1); short protein forms V18A.
Identifiers: ClinVar variation 1449630 (VCV001449630.7), dbSNP rs781637539, ClinGen allele CA1912019.